The following is an entry in ClinVar:

ClinVar aggregate classification (germline): Uncertain significance (1 of 4 stars; one submission).

gnomAD v4.1: 27 of 1,613,914 alleles (0.0017%); highest among the groups gnomAD compares: East Asian, 0.0022%; no homozygotes.

Submission:

Labcorp Genetics (formerly Invitae), Labcorp
Classification: Uncertain significance. Last evaluated: 2024-08-12. Review status: criteria provided, single submitter. Criteria: Invitae Variant Classification Sherloc (09022015). Collection method: clinical testing. Allele origin: germline.
Comment: This sequence change replaces valine, which is neutral and non-polar, with methionine, which is neutral and non-polar, at codon 381 of the DEAF1 protein (p.Val381Met). This variant is present in population databases (rs753669832, gnomAD 0.005%). This variant has not been reported in the literature in individuals affected with DEAF1-related conditions. ClinVar contains an entry for this variant (Variation ID: 2165677). Advanced modeling of protein sequence and biophysical properties (such as structural, functional, and spatial information, amino acid conservation, physicochemical variation, residue mobility, and thermodynamic stability) has been performed at Invitae for this missense variant, however the output from this modeling did not meet the statistical confidence thresholds required to predict the impact of this variant on DEAF1 protein function. In summary, the available evidence is currently insufficient to determine the role of this variant in disease. Therefore, it has been classified as a Variant of Uncertain Significance.

NM_021008.4(DEAF1):c.1141G>A (p.Val381Met)

Gene: DEAF1 (DEAF1 transcription factor; minus strand). Cytogenetic location: 11p15.5.
Variant type: single nucleotide variant.
Coding change: c.1141G>A on transcript NM_021008.4 (MANE Select); coding-DNA position 1141, G replaced by A.
Protein change: p.Val381Met; replaces valine 381 with methionine.
Molecular consequence: missense variant.
Genome position (GRCh38, 1-based): chr11:678,808, C>T on the plus strand (G>A on the coding strand, the complement: DEAF1 is on the minus strand). VCF-style: chr11-678808-C-T. GRCh37 (hg19) VCF-style: chr11-678808-C-T.
Other names: c.874G>A, p.Val292Met (NM_001293634.2); c.415G>A, p.Val139Met (NM_001367390.1); short protein forms V139M, V292M, V381M.
Identifiers: ClinVar variation 2165677 (VCV002165677.4), dbSNP rs753669832, ClinGen allele CA5786292.
Genomic context (GRCh38, chr11:678,808, plus strand): 5'-AGCTGTCCTGATAGCCGGGGTAGTGAGGCTCAGGGTGGCTGGCCCTGCATGGGGGCTGCA[C>T]GCTGGCCTCTTGGACTGTTGGGGAGAAAAAGGACAGGGAGGCTCGGGATGGTTGTCCGCA-3'
Protein context (NP_066288.2, residues 371-391): FAGATVQEAS[Val381Met]QPPCRASHPE